The following is an entry in ClinVar:

ClinVar aggregate classification (germline): Likely benign (1 of 4 stars; one submission).

Allele frequency attached by ClinVar (database versions not stated): gnomAD exomes 0.00091; ExAC 0.00106; gnomAD 0.00108.
gnomAD v4.1: 82 of 83,666 alleles (0.098%); highest among the groups gnomAD compares: African/African-American, 0.42%; 4 homozygotes.

Submission:

CeGaT Center for Human Genetics Tuebingen
Classification: Likely benign. Last evaluated: 2023-01-01. Review status: criteria provided, single submitter. Criteria: CeGaT Center For Human Genetics Tuebingen Variant Classification Criteria Version 2. Collection method: clinical testing. Allele origin: germline. Affected: yes. Observed: 2 variant alleles.
Comment: PSG4: BS2

NM_002780.5(PSG4):c.65-576G>A

Gene: PSG4 (pregnancy specific beta-1-glycoprotein 4; minus strand). Cytogenetic location: 19q13.31.
Variant type: single nucleotide variant.
Coding change: c.65-576G>A on transcript NM_002780.5 (MANE Select); 576 bases into the intron before coding-DNA position 65, G replaced by A.
Molecular consequence: intron variant.
Genome position (GRCh38, 1-based): chr19:43,204,827, C>T on the plus strand (G>A on the coding strand, the complement: PSG4 is on the minus strand). VCF-style: chr19-43204827-C-T. GRCh37 (hg19) VCF-style: chr19-43708979-C-T.
Other names: c.64+646G>A (NM_001316339.2); c.65-576G>A (NM_001276495.2, NM_213633.3).
Identifiers: ClinVar variation 2650057 (VCV002650057.24), dbSNP rs58918884, ClinGen allele CA9484825.